The following is an entry in ClinVar:

NM_014679.5(CEP57):c.1144G>C (p.Ala382Pro)

Gene: CEP57 (centrosomal protein 57; plus strand). Cytogenetic location: 11q21.
Variant type: single nucleotide variant.
Coding change: c.1144G>C on transcript NM_014679.5 (MANE Select); coding-DNA position 1144, G replaced by C.
Protein change: p.Ala382Pro; replaces alanine 382 with proline.
Molecular consequence: missense variant.
Genome position (GRCh38, 1-based): chr11:95,829,203, G>C. VCF-style: chr11-95829203-G-C. GRCh37 (hg19) VCF-style: chr11-95562367-G-C.
Other names: c.1117G>C, p.Ala373Pro (NM_001243776.2); c.1066G>C, p.Ala356Pro (NM_001243777.2); c.1063G>C, p.Ala355Pro (NM_001363604.2); short protein forms A355P, A373P, A356P, A382P.
Identifiers: ClinVar variation 4001076 (VCV004001076.1).

ClinVar aggregate classification (germline): Uncertain significance (1 of 4 stars; one submission).

Conditions:
Inborn genetic diseases. Identifiers: MedGen C0950123, MeSH D030342.

Submission:

Ambry Genetics
Classification: Uncertain significance for Inborn genetic diseases. Last evaluated: 2025-06-06. Review status: criteria provided, single submitter. Criteria: Ambry Variant Classification Scheme 2023. Collection method: clinical testing. Allele origin: germline.
Comment: The p.A382P variant (also known as c.1144G>C), located in coding exon 10 of the CEP57 gene, results from a G to C substitution at nucleotide position 1144. The alanine at codon 382 is replaced by proline, an amino acid with highly similar properties. This amino acid position is conserved. In addition, this alteration is predicted to be tolerated by in silico analysis. Based on the available evidence, the clinical significance of this variant remains unclear.